The following is an entry in ClinVar:

ClinVar aggregate classification (germline): Likely pathogenic (0 of 4 stars; one submission).

Conditions:
Neuronal ceroid lipofuscinosis 2. Also called: JANSKY-BIELSCHOWSKY DISEASE NEURONAL CEROID LIPOFUSCINOSIS, LATE INFANTILE; TPP1-Related Neuronal Ceroid-Lipofuscinosis. Identifiers: Orphanet 168491, Orphanet 228349, Orphanet 79264, MedGen C1876161, MONDO:0008769, OMIM 204500.

Submission:

Foundation for Research in Genetics and Endocrinology, FRIGE's Institute of Human Genetics
Classification: Likely pathogenic for Neuronal ceroid lipofuscinosis 2. Last evaluated: 2016-03-16. Review status: no assertion criteria provided. Collection method: clinical testing. Allele origin: germline. Inheritance: Autosomal recessive inheritance. Affected: yes. Observed: 1 variant allele, 1 compound heterozygote.
Comment: The observed variant c.689delT (p.Phe230SerfsTer28) was neither found in 1000 Genomes nor in ExAC databases. The in silico prediction of the given variant is disease causing by MutationTaster2. The above mentioned variant was identified as compound heterozygous along with another variant c.1449_1450insG (p.Ile484AspfsTer7). The variant c.1449_1450insG (p.Ile484AspfsTer7) was neither found in 1000 Genomes nor in ExAC databases. The in silico prediction of the given variant is disease causing by MutationTaster2.

NM_000391.4(TPP1):c.689del (p.Phe230fs)

Gene: TPP1 (tripeptidyl peptidase 1; minus strand). Cytogenetic location: 11p15.4.
Variant type: Deletion.
Coding change: c.689del on transcript NM_000391.4 (MANE Select); coding-DNA position 689, one base deleted (T; older notation c.689delT).
Protein change: p.Phe230fs; shifts the reading frame from phenylalanine 230.
Molecular consequence: frameshift variant.
Genome position (GRCh38, 1-based): chr11:6,616,858, A deleted on the plus strand (T on the coding strand, the reverse complement: TPP1 is on the minus strand); the first of 2 consecutive A bases (chr11:6,616,858-6,616,859); deleting either gives the same sequence. VCF-style (leftmost placement, unchanged base first): chr11-6616857-GA-G. GRCh37 (hg19) VCF-style: chr11-6638088-GA-G.
Other names: short protein forms F230fs.
Identifiers: ClinVar variation 559477 (VCV000559477.2), dbSNP rs1554901898, ClinGen allele CA658822368.